The following is an entry in ClinVar:

NM_015164.4(PLEKHM2):c.1357G>A (p.Asp453Asn)

Gene: PLEKHM2 (pleckstrin homology and RUN domain containing M2; plus strand). Cytogenetic location: 1p36.21.
Variant type: single nucleotide variant.
Coding change: c.1357G>A on transcript NM_015164.4 (MANE Select); coding-DNA position 1357, G replaced by A.
Protein change: p.Asp453Asn; replaces aspartic acid 453 with asparagine.
Molecular consequence: missense variant.
Genome position (GRCh38, 1-based): chr1:15,727,429, G>A. VCF-style: chr1-15727429-G-A. GRCh37 (hg19) VCF-style: chr1-16053924-G-A.
Other names: c.1357G>A (NM_015164.2); short protein forms D453N.
Identifiers: ClinVar variation 1471072 (VCV001471072.8), dbSNP rs576329050, ClinGen allele CA616929.

ClinVar aggregate classification (germline): Uncertain significance. Review status: criteria provided, multiple submitters, no conflicts (2 of 4 stars). 2 submissions from 2 submitters: Uncertain significance (2). Last evaluated 2025-08-04.

Conditions:
Dilated Cardiomyopathy, Recessive.

Allele frequency attached by ClinVar (database versions not stated): ExAC 0.00006; gnomAD exomes 0.00010 and 0.00023; 1000 Genomes Project 30x 0.00016; 1000 Genomes Project 0.00020; TOPMed 0.00048; gnomAD 0.00050.
gnomAD v4.1: 222 of 1,606,334 alleles (0.014%); highest among the groups gnomAD compares: Admixed American, 0.26%; no homozygotes.

Submissions (2):

Ambry Genetics
Classification: Uncertain significance. Last evaluated: 2025-08-04. Review status: criteria provided, single submitter. Criteria: Ambry Variant Classification Scheme 2023. Collection method: clinical testing. Allele origin: germline.

Labcorp Genetics (formerly Invitae), Labcorp
Classification: Uncertain significance. Last evaluated: 2024-11-26. Review status: criteria provided, single submitter. Criteria: Invitae Variant Classification Sherloc (09022015). Collection method: clinical testing. Allele origin: germline.
Comment: This sequence change replaces aspartic acid, which is acidic and polar, with asparagine, which is neutral and polar, at codon 453 of the PLEKHM2 protein (p.Asp453Asn). This variant is present in population databases (rs576329050, gnomAD 0.1%), and has an allele count higher than expected for a pathogenic variant. This variant has not been reported in the literature in individuals affected with PLEKHM2-related conditions. ClinVar contains an entry for this variant (Variation ID: 1471072). An algorithm developed to predict the effect of missense changes on protein structure and function outputs the following: PolyPhen-2: "Benign". The asparagine amino acid residue is found in multiple mammalian species, which suggests that this missense change does not adversely affect protein function. In summary, the available evidence is currently insufficient to determine the role of this variant in disease. Therefore, it has been classified as a Variant of Uncertain Significance.